The following is an entry in ClinVar:

ClinVar aggregate classification (germline): Uncertain significance (1 of 4 stars; one submission).

gnomAD v4.1: 2 of 1,609,448 alleles (0.00012%); highest among the groups gnomAD compares: Non-Finnish European, 0.00017%; no homozygotes.

Submission:

Ambry Genetics
Classification: Uncertain significance. Last evaluated: 2024-12-26. Review status: criteria provided, single submitter. Criteria: Ambry Variant Classification Scheme 2023. Collection method: clinical testing. Allele origin: germline.
Comment: The c.1156C>T (p.R386C) alteration is located in exon 11 (coding exon 10) of the CCAR2 gene. This alteration results from a C to T substitution at nucleotide position 1156, causing the arginine (R) at amino acid position 386 to be replaced by a cysteine (C). This variant was not reported in population-based cohorts in the Genome Aggregation Database (gnomAD). This amino acid position is highly conserved in available vertebrate species. This alteration is predicted to be deleterious by in silico analysis. Based on insufficient or conflicting evidence, the clinical significance of this alteration remains unclear.

NM_001393997.1(CCAR2):c.1156C>T (p.Arg386Cys)

Gene: CCAR2 (cell cycle and apoptosis regulator 2; plus strand). Cytogenetic location: 8p21.3.
Variant type: single nucleotide variant.
Coding change: c.1156C>T on transcript NM_001393997.1 (MANE Select); coding-DNA position 1156, C replaced by T.
Protein change: p.Arg386Cys; replaces arginine 386 with cysteine.
Molecular consequence: missense variant.
Genome position (GRCh38, 1-based): chr8:22,614,952, C>T. VCF-style: chr8-22614952-C-T. GRCh37 (hg19) VCF-style: chr8-22472465-C-T.
Other names: c.1156C>T, p.Arg386Cys (NM_001363068.2, NM_001363069.2, NM_021174.6); short protein forms R386C.
Identifiers: ClinVar variation 3828019 (VCV003828019.1).